The following is an entry in ClinVar:

ClinVar aggregate classification (germline): Likely pathogenic (1 of 4 stars; one submission).

Conditions:
Vertebral anomalies and variable endocrine and T-cell dysfunction. Identifiers: MedGen C4748741, MONDO:0032607, OMIM 618223.

Submission:

Clinical Genomics Laboratory, Washington University in St. Louis
Classification: Likely pathogenic for Vertebral anomalies and variable endocrine and T-cell dysfunction. Last evaluated: 2026-04-10. Review status: criteria provided, single submitter. Criteria: ACMG Guidelines, 2015. Collection method: clinical testing. Allele origin: germline. Affected: yes.
Comment: The TBX2 c.502_515del (p.His168Aspfs*9) variant, to our knowledge, has not been reported in the medical literature and is absent from the general population (gnomAD v2.1.1), indicating it is not a common variant. This variant causes a frameshift by deleting 14 nucleotides, leading to a premature termination codon, which is predicted to lead to nonsense-mediated decay. Based on available information and the ACMG/AMP guidelines for variant interpretation (Richards S et al., PMID: 25741868), this variant is classified as likely pathogenic.

NM_005994.4(TBX2):c.502_515del (p.His168fs)

Gene: TBX2 (T-box transcription factor 2; plus strand). Cytogenetic location: 17q23.2.
Variant type: Deletion.
Coding change: c.502_515del on transcript NM_005994.4 (MANE Select); coding-DNA positions 502 to 515, 14 bases deleted (CACAACTCGCGCTG).
Protein change: p.His168fs; shifts the reading frame from histidine 168.
Molecular consequence: frameshift variant.
Genome position (GRCh38, 1-based): chr17:61,401,790-61,401,803, CACAACTCGCGCTG deleted. VCF-style (leftmost placement, unchanged base first): chr17-61401789-CCACAACTCGCGCTG-C. GRCh37 (hg19) VCF-style: chr17-59479150-CCACAACTCGCGCTG-C.
Other names: short protein forms H168fs.
Identifiers: ClinVar variation 4879268 (VCV004879268.1).